The following is an entry in ClinVar:

NM_033409.4(SLC52A3):c.-52+394T>C

Gene: SLC52A3 (solute carrier family 52 member 3; minus strand). Cytogenetic location: 20p13.
Variant type: single nucleotide variant.
Coding change: c.-52+394T>C on transcript NM_033409.4 (MANE Select); 394 bases into the intron after 52 bases upstream of the start codon, T replaced by C.
Molecular consequence: intron variant.
Genome position (GRCh38, 1-based): chr20:767,903, A>G on the plus strand (T>C on the coding strand, the complement: SLC52A3 is on the minus strand). VCF-style: chr20-767903-A-G. GRCh37 (hg19) VCF-style: chr20-748547-A-G.
Other names: c.-52+394T>C (NM_001370085.1); c.-561+394T>C (NM_001370086.1).
Identifiers: ClinVar variation 453291 (VCV000453291.3), dbSNP rs750886042, ClinGen allele CA310680592.

ClinVar aggregate classification (germline): Uncertain significance (1 of 4 stars; one submission).

Conditions:
Brown-Vialetto-van Laere syndrome 1. Also called: BROWN-VIALETTO-VAN LAERE SYNDROME 1, MILD; BULBAR PALSY, PROGRESSIVE, WITH SENSORINEURAL DEAFNESS; PONTOBULBAR PALSY WITH DEAFNESS. Identifiers: Orphanet 572550, Orphanet 97229, MedGen C0796274, MONDO:0024537, OMIM 211530.

Allele frequency attached by ClinVar (database versions not stated): gnomAD 0.00003 and 0.00004; TOPMed 0.00002.
gnomAD v4.1: 5 of 152,098 alleles (0.0033%); highest among the groups gnomAD compares: Non-Finnish European, 0.0074%; no homozygotes.

Submission:

Undiagnosed Diseases Network, NIH
Classification: Uncertain significance for Brown-Vialetto-van Laere syndrome 1. Last evaluated: 2016-03-02. Review status: criteria provided, single submitter. Criteria: ACMG Guidelines, 2015. Collection method: clinical testing. Allele origin: paternal. Affected: yes. Observed: 1 compound heterozygote.